The following is an entry in ClinVar:

ClinVar aggregate classification (germline): Uncertain significance (1 of 4 stars; one submission).

gnomAD v4.1: 3 of 1,608,978 alleles (0.00019%); highest among the groups gnomAD compares: Non-Finnish European, 0.00025%; no homozygotes.

Submission:

GeneDx
Classification: Uncertain significance. Last evaluated: 2021-05-25. Review status: criteria provided, single submitter. Criteria: GeneDx Variant Classification Process June 2021. Collection method: clinical testing. Allele origin: germline. Affected: yes.
Comment: Not observed at significant frequency in large population cohorts (Lek et al., 2016); In silico analysis supports that this missense variant does not alter protein structure/function; Has not been previously published as pathogenic or benign to our knowledge

NM_002473.6(MYH9):c.4771G>C (p.Val1591Leu)

Gene: MYH9 (myosin heavy chain 9; minus strand). Cytogenetic location: 22q12.3.
Variant type: single nucleotide variant.
Coding change: c.4771G>C on transcript NM_002473.6 (MANE Select); coding-DNA position 4771, G replaced by C.
Protein change: p.Val1591Leu; replaces valine 1591 with leucine.
Molecular consequence: missense variant.
Genome position (GRCh38, 1-based): chr22:36,288,413, C>G on the plus strand (G>C on the coding strand, the complement: MYH9 is on the minus strand). VCF-style: chr22-36288413-C-G. GRCh37 (hg19) VCF-style: chr22-36684459-C-G.
Other names: short protein forms V1591L.
Identifiers: ClinVar variation 1326512 (VCV001326512.2), dbSNP rs2146331302, ClinGen allele CA411376954.